The following is an entry in ClinVar:

ClinVar aggregate classification (germline): Conflicting classifications of pathogenicity. Review status: criteria provided, conflicting classifications (1 of 4 stars). 3 submissions from 3 submitters: Uncertain significance (2); Likely benign (1). Last evaluated 2023-12-12.

Conditions:
Cardiovascular phenotype. Identifiers: MedGen CN230736.
Telangiectasia, hereditary hemorrhagic, type 5 (HHT5). Identifiers: Orphanet 774, MedGen C3809710, MONDO:0014217, OMIM 615506.

Allele frequency attached by ClinVar (database versions not stated): gnomAD 0.00001 and 0.00003; ExAC 0.00002; gnomAD exomes 0.00002 and 0.00003; TOPMed 0.00003.

Submissions (3):

Ambry Genetics
Classification: Likely benign for Cardiovascular phenotype. Last evaluated: 2023-12-12. Review status: criteria provided, single submitter. Criteria: Ambry Variant Classification Scheme 2023. Collection method: clinical testing. Allele origin: germline.

Labcorp Genetics (formerly Invitae), Labcorp
Classification: Uncertain significance for Telangiectasia, hereditary hemorrhagic, type 5. Last evaluated: 2021-08-26. Review status: criteria provided, single submitter. Criteria: Invitae Variant Classification Sherloc (09022015). Collection method: clinical testing. Allele origin: germline.
Comment: This sequence change replaces glycine with arginine at codon 322 of the GDF2 protein (p.Gly322Arg). The glycine residue is moderately conserved and there is a moderate physicochemical difference between glycine and arginine. This variant is present in population databases (rs782796080, ExAC 0.01%). This variant has not been reported in the literature in individuals affected with GDF2-related conditions. Algorithms developed to predict the effect of missense changes on protein structure and function (SIFT, PolyPhen-2, Align-GVGD) all suggest that this variant is likely to be disruptive. In summary, the available evidence is currently insufficient to determine the role of this variant in disease. Therefore, it has been classified as a Variant of Uncertain Significance.

Fulgent Genetics
Classification: Uncertain significance for Telangiectasia, hereditary hemorrhagic, type 5. Last evaluated: 2021-08-24. Review status: criteria provided, single submitter. Criteria: ACMG Guidelines, 2015. Collection method: clinical testing. Allele origin: unknown.

Literature cited by the submitters: PubMed 30578397 (cited by Ambry Genetics).

NM_016204.4(GDF2):c.964G>A (p.Gly322Arg)

Gene: GDF2 (growth differentiation factor 2; plus strand). Cytogenetic location: 10q11.22.
Variant type: single nucleotide variant.
Coding change: c.964G>A on transcript NM_016204.4 (MANE Select); coding-DNA position 964, G replaced by A.
Protein change: p.Gly322Arg; replaces glycine 322 with arginine.
Molecular consequence: missense variant.
Genome position (GRCh38, 1-based): chr10:47,325,458, G>A. VCF-style: chr10-47325458-G-A. GRCh37 (hg19) VCF-style: chr10-48413904-C-T.
Other names: short protein forms G322R.
Identifiers: ClinVar variation 658226 (VCV000658226.8), dbSNP rs782796080, ClinGen allele CA5487975.
Genomic context (GRCh38, chr10:47,325,458, plus strand): 5'-GAGGACACGGATGGCCACGTGGCTGCGGGGTCGACTTTAGCCAGGCGGAAAAGGAGCGCC[G>A]GGGCTGGCAGCCACTGTCAAAAGACCTCCCTGCGGGTAAACTTCGAGGACATCGGCTGGG-3'
Protein context (NP_057288.1, residues 312-332): STLARRKRSA[Gly322Arg]AGSHCQKTSL